The following is an entry in ClinVar:

NM_001457.4(FLNB):c.3728T>C (p.Val1243Ala)

Gene: FLNB (filamin B; plus strand). Cytogenetic location: 3p14.3.
Variant type: single nucleotide variant.
Coding change: c.3728T>C on transcript NM_001457.4 (MANE Select); coding-DNA position 3728, T replaced by C.
Protein change: p.Val1243Ala; replaces valine 1243 with alanine.
Molecular consequence: missense variant.
Genome position (GRCh38, 1-based): chr3:58,124,335, T>C. VCF-style: chr3-58124335-T-C. GRCh37 (hg19) VCF-style: chr3-58110062-T-C.
Other names: c.3728T>C, p.Val1243Ala (NM_001164317.2, NM_001164318.2, NM_001164319.2); short protein forms V1243A.
Identifiers: ClinVar variation 1374728 (VCV001374728.6), dbSNP rs2107179349, ClinGen allele CA353349409.

ClinVar aggregate classification (germline): Uncertain significance (1 of 4 stars; one submission).

Submission:

Labcorp Genetics (formerly Invitae), Labcorp
Classification: Uncertain significance. Last evaluated: 2024-09-23. Review status: criteria provided, single submitter. Criteria: Invitae Variant Classification Sherloc (09022015). Collection method: clinical testing. Allele origin: germline.
Comment: This sequence change replaces valine, which is neutral and non-polar, with alanine, which is neutral and non-polar, at codon 1243 of the FLNB protein (p.Val1243Ala). This variant is not present in population databases (gnomAD no frequency). This variant has not been reported in the literature in individuals affected with FLNB-related conditions. ClinVar contains an entry for this variant (Variation ID: 1374728). Invitae Evidence Modeling of protein sequence and biophysical properties (such as structural, functional, and spatial information, amino acid conservation, physicochemical variation, residue mobility, and thermodynamic stability) indicates that this missense variant is not expected to disrupt FLNB protein function with a negative predictive value of 95%. In summary, the available evidence is currently insufficient to determine the role of this variant in disease. Therefore, it has been classified as a Variant of Uncertain Significance.